The following is an entry in ClinVar:

ClinVar aggregate classification (germline): Uncertain significance. Review status: criteria provided, multiple submitters, no conflicts (2 of 4 stars). 2 submissions from 2 submitters: Uncertain significance (2). Last evaluated 2025-09-25.

Allele frequency attached by ClinVar (database versions not stated): TOPMed 0.00003; ExAC 0.00006; gnomAD exomes 0.00013; gnomAD 0.00001; ESP Exome Variant Server 0.00015.
gnomAD v4.1: 184 of 1,614,102 alleles (0.011%); highest among the groups gnomAD compares: Non-Finnish European, 0.015%; no homozygotes.

Submissions (2):

Labcorp Genetics (formerly Invitae), Labcorp
Classification: Uncertain significance. Last evaluated: 2025-09-25. Review status: criteria provided, single submitter. Criteria: Invitae Variant Classification Sherloc (09022015). Collection method: clinical testing. Allele origin: germline.
Comment: This sequence change replaces alanine, which is neutral and non-polar, with threonine, which is neutral and polar, at codon 821 of the DLC1 protein (p.Ala821Thr). This variant is present in population databases (rs377054673, gnomAD 0.008%). This variant has not been reported in the literature in individuals affected with DLC1-related conditions. ClinVar contains an entry for this variant (Variation ID: 2658434). An algorithm developed to predict the effect of missense changes on protein structure and function (PolyPhen-2) suggests that this variant is likely to be disruptive. In summary, the available evidence is currently insufficient to determine the role of this variant in disease. Therefore, it has been classified as a Variant of Uncertain Significance.

CeGaT Center for Human Genetics Tuebingen
Classification: Uncertain significance. Last evaluated: 2023-02-01. Review status: criteria provided, single submitter. Criteria: CeGaT Center For Human Genetics Tuebingen Variant Classification Criteria Version 2. Collection method: clinical testing. Allele origin: germline. Affected: yes. Observed: 1 variant allele.
Comment: DLC1: PM2

NM_182643.3(DLC1):c.2461G>A (p.Ala821Thr)

Gene: DLC1 (DLC1 Rho GTPase activating protein; minus strand). Cytogenetic location: 8p22.
Variant type: single nucleotide variant.
Coding change: c.2461G>A on transcript NM_182643.3 (MANE Select); coding-DNA position 2461, G replaced by A.
Protein change: p.Ala821Thr; replaces alanine 821 with threonine.
Molecular consequence: missense variant.
Genome position (GRCh38, 1-based): chr8:13,099,876, C>T on the plus strand (G>A on the coding strand, the complement: DLC1 is on the minus strand). VCF-style: chr8-13099876-C-T. GRCh37 (hg19) VCF-style: chr8-12957385-C-T.
Other names: c.928G>A, p.Ala310Thr (NM_001413128.1, NM_001413133.1, NM_001413138.1 and 6 more transcripts); c.1252G>A, p.Ala418Thr (NM_001413129.1, NM_001316668.2); c.1243G>A, p.Ala415Thr (NM_001413130.1); c.901G>A, p.Ala301Thr (NM_001413131.1, NM_001413137.1); c.1387G>A, p.Ala463Thr (NM_001413132.1); c.1150G>A, p.Ala384Thr (NM_001413135.1, NM_001413136.1, NM_001413139.1 and 1 more transcripts); c.2461G>A, p.Ala821Thr (NM_001348081.2, NM_001413124.1); c.1285G>A, p.Ala429Thr (NM_001413140.1); short protein forms A301T, A310T, A384T, A415T, A418T, A429T, A463T, A821T.
Identifiers: ClinVar variation 2658434 (VCV002658434.27), dbSNP rs377054673, ClinGen allele CA4638617.